The following is an entry in ClinVar:

ClinVar aggregate classification (germline): Uncertain significance. Review status: criteria provided, multiple submitters, no conflicts (2 of 4 stars). 2 submissions from 2 submitters: Uncertain significance (2). Last evaluated 2025-05-16.

Conditions:
Megaconial type congenital muscular dystrophy (MDCMC). Also called: CHKB-Related Muscular Dystrophy; MUSCULAR DYSTROPHY, CONGENITAL, WITH MITOCHONDRIAL STRUCTURAL ABNORMALITIES; CHKB-Related Muscle Diseases. Identifiers: Orphanet 280671, MedGen C1865233, MONDO:0011246, OMIM 602541.
Inborn genetic diseases. Identifiers: MedGen C0950123, MeSH D030342.

Allele frequency attached by ClinVar (database versions not stated): gnomAD exomes below 0.00001; ExAC 0.00001; gnomAD 0.00002; TOPMed 0.00002.

Submissions (2):

Ambry Genetics
Classification: Uncertain significance for Inborn genetic diseases. Last evaluated: 2025-05-16. Review status: criteria provided, single submitter. Criteria: Ambry Variant Classification Scheme 2023. Collection method: clinical testing. Allele origin: germline.

Labcorp Genetics (formerly Invitae), Labcorp
Classification: Uncertain significance for Megaconial type congenital muscular dystrophy. Last evaluated: 2024-01-08. Review status: criteria provided, single submitter. Criteria: Invitae Variant Classification Sherloc (09022015). Collection method: clinical testing. Allele origin: germline.
Comment: This sequence change replaces alanine, which is neutral and non-polar, with valine, which is neutral and non-polar, at codon 361 of the CHKB protein (p.Ala361Val). This variant is present in population databases (rs755801840, gnomAD 0.003%). This variant has not been reported in the literature in individuals affected with CHKB-related conditions. ClinVar contains an entry for this variant (Variation ID: 651236). Advanced modeling of protein sequence and biophysical properties (such as structural, functional, and spatial information, amino acid conservation, physicochemical variation, residue mobility, and thermodynamic stability) performed at Invitae indicates that this missense variant is not expected to disrupt CHKB protein function with a negative predictive value of 80%. In summary, the available evidence is currently insufficient to determine the role of this variant in disease. Therefore, it has been classified as a Variant of Uncertain Significance.

NM_005198.5(CHKB):c.1082C>T (p.Ala361Val)

Genes: CHKB (choline kinase beta; minus strand), CHKB-CPT1B (CHKB-CPT1B readthrough (NMD candidate); minus strand). Cytogenetic location: 22q13.33.
Variant type: single nucleotide variant.
Coding change: c.1082C>T on transcript NM_005198.5 (MANE Select); coding-DNA position 1082, C replaced by T.
Protein change: p.Ala361Val; replaces alanine 361 with valine.
Molecular consequence: missense variant. On other transcripts: non-coding transcript variant (1).
Genome position (GRCh38, 1-based): chr22:50,579,457, G>A on the plus strand (C>T on the coding strand, the complement: CHKB is on the minus strand). VCF-style: chr22-50579457-G-A. GRCh37 (hg19) VCF-style: chr22-51017886-G-A.
Other names: short protein forms A361V.
Identifiers: ClinVar variation 651236 (VCV000651236.7), dbSNP rs755801840, ClinGen allele CA10323500.